The following is an entry in ClinVar:

ClinVar aggregate classification (germline): Uncertain significance. Review status: criteria provided, multiple submitters, no conflicts (2 of 4 stars). 2 submissions from 2 submitters: Uncertain significance (2). Last evaluated 2025-01-04.

Conditions:
Inborn genetic diseases. Identifiers: MedGen C0950123, MeSH D030342.

Allele frequency attached by ClinVar (database versions not stated): ExAC 0.00003; gnomAD exomes 0.00003; TOPMed 0.00004.
gnomAD v4.1: 78 of 1,611,398 alleles (0.0048%); highest among the groups gnomAD compares: Non-Finnish European, 0.0059%; no homozygotes.

Submissions (2):

Ambry Genetics
Classification: Uncertain significance for Inborn genetic diseases. Last evaluated: 2025-01-04. Review status: criteria provided, single submitter. Criteria: Ambry Variant Classification Scheme 2023. Collection method: clinical testing. Allele origin: germline.

Labcorp Genetics (formerly Invitae), Labcorp
Classification: Uncertain significance. Last evaluated: 2024-10-25. Review status: criteria provided, single submitter. Criteria: Invitae Variant Classification Sherloc (09022015). Collection method: clinical testing. Allele origin: germline.
Comment: This sequence change replaces arginine, which is basic and polar, with tryptophan, which is neutral and slightly polar, at codon 1151 of the MPDZ protein (p.Arg1151Trp). This variant is present in population databases (rs184850013, gnomAD 0.005%). This variant has not been reported in the literature in individuals affected with MPDZ-related conditions. ClinVar contains an entry for this variant (Variation ID: 1359904). An algorithm developed to predict the effect of missense changes on protein structure and function (PolyPhen-2) suggests that this variant is likely to be disruptive. In summary, the available evidence is currently insufficient to determine the role of this variant in disease. Therefore, it has been classified as a Variant of Uncertain Significance.

NM_001378778.1(MPDZ):c.3451C>T (p.Arg1151Trp)

Gene: MPDZ (multiple PDZ domain crumbs cell polarity complex component; minus strand). Cytogenetic location: 9p23.
Variant type: single nucleotide variant.
Coding change: c.3451C>T on transcript NM_001378778.1 (MANE Select); coding-DNA position 3451, C replaced by T.
Protein change: p.Arg1151Trp; replaces arginine 1151 with tryptophan.
Molecular consequence: missense variant. On other transcripts: intron variant (1).
Genome position (GRCh38, 1-based): chr9:13,158,019, G>A on the plus strand (C>T on the coding strand, the complement: MPDZ is on the minus strand). VCF-style: chr9-13158019-G-A. GRCh37 (hg19) VCF-style: chr9-13158018-G-A.
Other names: c.3451C>T (NM_003829.3); c.3451C>T, p.Arg1151Trp (NM_001261406.2, NM_001261407.2, NM_001330637.2 and 13 more transcripts); c.3255-7331C>T (NM_001375427.1); short protein forms R1151W.
Identifiers: ClinVar variation 1359904 (VCV001359904.6), dbSNP rs184850013, ClinGen allele CA4987116.